The following is an entry in ClinVar:

ClinVar aggregate classification (germline): Likely benign (1 of 4 stars; one submission).

Conditions:
PLXNA4-related disorder. Also called: PLXNA4-related condition.

gnomAD v4.1: 2 of 1,614,118 alleles (0.00012%); highest among the groups gnomAD compares: Admixed American, 0.0017%; no homozygotes.

Submission:

PreventionGenetics, part of Exact Sciences
Classification: Likely benign for PLXNA4-related condition. Last evaluated: 2026-06-26. Review status: criteria provided, single submitter. Criteria: ACMG Guidelines, 2015. Collection method: clinical testing. Allele origin: germline.
Comment: This variant is classified as likely benign based on ACMG/AMP sequence variant interpretation guidelines (Richards et al. 2015 PMID: 25741868, with internal and published modifications).

NM_020911.2(PLXNA4):c.546G>A (p.Lys182=)

Gene: PLXNA4 (plexin A4; minus strand). Cytogenetic location: 7q32.3.
Variant type: single nucleotide variant.
Coding change: c.546G>A on transcript NM_020911.2 (MANE Select); coding-DNA position 546, G replaced by A.
Protein change: p.Lys182=; no amino-acid change (lysine 182 retained).
Molecular consequence: synonymous variant.
Genome position (GRCh38, 1-based): chr7:132,508,148, C>T on the plus strand (G>A on the coding strand, the complement: PLXNA4 is on the minus strand). VCF-style: chr7-132508148-C-T. GRCh37 (hg19) VCF-style: chr7-132192907-C-T.
Other names: c.546G>A, p.Lys182= (NM_001105543.2, NM_001393897.1, NM_181775.4).
Identifiers: ClinVar variation 4982084 (VCV004982084.1).